The following is an entry in ClinVar:

ClinVar aggregate classification (germline): Uncertain significance (1 of 4 stars; one submission).

Allele frequency attached by ClinVar (database versions not stated): TOPMed below 0.00001; ExAC 0.00001; gnomAD 0.00001.
gnomAD v4.1: 4 of 1,613,558 alleles (0.00025%); highest among the groups gnomAD compares: East Asian, 0.0089%; no homozygotes.

Submission:

Ambry Genetics
Classification: Uncertain significance. Last evaluated: 2025-05-16. Review status: criteria provided, single submitter. Criteria: Ambry Variant Classification Scheme 2023. Collection method: clinical testing. Allele origin: germline.
Comment: The p.A1723D variant (also known as c.5168C>A), located in coding exon 45 of the KIF1B gene, results from a C to A substitution at nucleotide position 5168. The alanine at codon 1723 is replaced by aspartic acid, an amino acid with dissimilar properties. This amino acid position is conserved. In addition, the in silico prediction for this alteration is inconclusive. Since supporting evidence is limited at this time, the clinical significance of this alteration remains unclear.

NM_001365951.3(KIF1B):c.5306C>A (p.Ala1769Asp)

Gene: KIF1B (kinesin family member 1B; plus strand). Cytogenetic location: 1p36.22.
Variant type: single nucleotide variant.
Coding change: c.5306C>A on transcript NM_001365951.3 (MANE Select); coding-DNA position 5306, C replaced by A.
Protein change: p.Ala1769Asp; replaces alanine 1769 with aspartic acid.
Molecular consequence: missense variant.
Genome position (GRCh38, 1-based): chr1:10,375,271, C>A. VCF-style: chr1-10375271-C-A. GRCh37 (hg19) VCF-style: chr1-10435329-C-A.
Other names: c.5306C>A, p.Ala1769Asp (NM_001365952.1); c.5168C>A, p.Ala1723Asp (NM_015074.3); short protein forms A1723D, A1769D.
Identifiers: ClinVar variation 2448065 (VCV002448065.3), dbSNP rs752231830, ClinGen allele CA582315.
Genomic context (GRCh38, chr1:10,375,271, plus strand): 5'-TGTCTCTGTAGTAACTTTCTTGTCTACCTGCATTTTTCTTTCAGACACCAAACACCTTTG[C>A]TGTCTGCACAAAGCACCGTGGGGTCCTTTTGCAGGCCCTCAATGACAAAGACATGAACGA-3'
Protein context (NP_001352880.1, residues 1759-1779): QAMVKTPNTF[Ala1769Asp]VCTKHRGVLL